The following is an entry in ClinVar:

ClinVar aggregate classification (germline): Uncertain significance (1 of 4 stars; one submission).

Conditions:
Early-infantile DEE. Also called: Ohtahara syndrome; Early infantile epileptic encephalopathy with suppression bursts; Early infantile epileptic encephalopathy. Identifiers: Orphanet 1934, MedGen C0393706, MONDO:0800491.

Submission:

Labcorp Genetics (formerly Invitae), Labcorp
Classification: Uncertain significance for Early-infantile DEE. Last evaluated: 2022-09-13. Review status: criteria provided, single submitter. Criteria: Invitae Variant Classification Sherloc (09022015). Collection method: clinical testing. Allele origin: germline.
Comment: In summary, the available evidence is currently insufficient to determine the role of this variant in disease. Therefore, it has been classified as a Variant of Uncertain Significance. Algorithms developed to predict the effect of missense changes on protein structure and function are either unavailable or do not agree on the potential impact of this missense change (SIFT: "Deleterious"; PolyPhen-2: "Probably Damaging"; Align-GVGD: "Class C0"). ClinVar contains an entry for this variant (Variation ID: 850524). This variant has not been reported in the literature in individuals affected with CACNA2D2-related conditions. This variant is not present in population databases (gnomAD no frequency). This sequence change replaces lysine, which is basic and polar, with arginine, which is basic and polar, at codon 198 of the CACNA2D2 protein (p.Lys198Arg).

NM_006030.4(CACNA2D2):c.593A>G (p.Lys198Arg)

Gene: CACNA2D2 (calcium voltage-gated channel auxiliary subunit alpha2delta 2; minus strand). Cytogenetic location: 3p21.31.
Variant type: single nucleotide variant.
Coding change: c.593A>G on transcript NM_006030.4 (MANE Select); coding-DNA position 593, A replaced by G.
Protein change: p.Lys198Arg; replaces lysine 198 with arginine.
Molecular consequence: missense variant.
Genome position (GRCh38, 1-based): chr3:50,384,255, T>C on the plus strand (A>G on the coding strand, the complement: CACNA2D2 is on the minus strand). VCF-style: chr3-50384255-T-C. GRCh37 (hg19) VCF-style: chr3-50421686-T-C.
Other names: c.593A>G, p.Lys198Arg (NM_001005505.3, NM_001174051.3); c.386A>G, p.Lys129Arg (NM_001291101.1); short protein forms K129R, K198R.
Identifiers: ClinVar variation 850524 (VCV000850524.7), dbSNP rs1705475378, ClinGen allele CA352944243.
Genomic context (GRCh38, chr3:50,384,255, plus strand): 5'-CAGCCTTTGTAGATGTCCGTAGGGATCTGTACAGCCGCGTATGAATAGTTGACCTTGTTC[T>C]TGAAGTTTGGGTCCTCGATGAAGTCCAGCCTTAGGGTGCTGGCCTTAGACCCCCTTTCCA-3'
Protein context (NP_006021.2, residues 188-208): RLDFIEDPNF[Lys198Arg]NKVNYSYAAV